The following is an entry in ClinVar:

ClinVar aggregate classification (germline): Pathogenic. Review status: criteria provided, single submitter (1 of 4 stars). 2 submissions from 2 submitters: Pathogenic (1). 1 of the submissions does not count toward it. Last evaluated 2023-10-27.

Conditions:
Autosomal recessive limb-girdle muscular dystrophy type 2A (LGMDR1). Also called: MUSCULAR DYSTROPHY, PELVOFEMORAL; Limb-girdle muscular dystrophy, type 2A; Muscular dystrophy, limb-girdle, type 2A, Amish; LEYDEN-MOEBIUS MUSCULAR DYSTROPHY; Calpainopathy. Identifiers: Orphanet 267, MedGen C1869123, MONDO:0009675, OMIM 253600. Disease mechanism: loss of function.

Submissions (2):

Labcorp Genetics (formerly Invitae), Labcorp
Classification: Pathogenic for Autosomal recessive limb-girdle muscular dystrophy type 2A. Last evaluated: 2023-10-27. Review status: criteria provided, single submitter. Criteria: Invitae Variant Classification Sherloc (09022015). Collection method: clinical testing. Allele origin: germline.
Comment: This sequence change replaces alanine, which is neutral and non-polar, with glycine, which is neutral and non-polar, at codon 203 of the CAPN3 protein (p.Ala203Gly). This variant is not present in population databases (gnomAD no frequency). This missense change has been observed in individual(s) with autosomal recessive limb-girdle muscular dystrophy (Invitae). In at least one individual the data is consistent with being in trans (on the opposite chromosome) from a pathogenic variant. ClinVar contains an entry for this variant (Variation ID: 843051). Advanced modeling of protein sequence and biophysical properties (such as structural, functional, and spatial information, amino acid conservation, physicochemical variation, residue mobility, and thermodynamic stability) performed at Invitae indicates that this missense variant is expected to disrupt CAPN3 protein function with a positive predictive value of 80%. For these reasons, this variant has been classified as Pathogenic.

Natera, Inc.
Classification: Uncertain significance for Limb-girdle muscular dystrophy type 2A. Last evaluated: 2025-01-03. Review status: no assertion criteria provided. Collection method: clinical testing. Allele origin: germline. Not counted in ClinVar's aggregate classification.

NM_000070.3(CAPN3):c.608C>G (p.Ala203Gly)

Gene: CAPN3 (calpain 3; plus strand). Cytogenetic location: 15q15.1.
Variant type: single nucleotide variant.
Coding change: c.608C>G on transcript NM_000070.3 (MANE Select); coding-DNA position 608, C replaced by G.
Protein change: p.Ala203Gly; replaces alanine 203 with glycine.
Molecular consequence: missense variant.
Genome position (GRCh38, 1-based): chr15:42,387,862, C>G. VCF-style: chr15-42387862-C-G. GRCh37 (hg19) VCF-style: chr15-42680060-C-G.
Other names: c.608C>G, p.Ala203Gly (NM_024344.2, NM_173087.2); short protein forms A203G.
Identifiers: ClinVar variation 843051 (VCV000843051.5), dbSNP rs763719290, ClinGen allele CA391997981.